The following is an entry in ClinVar:

ClinVar aggregate classification (germline): Uncertain significance (1 of 4 stars; one submission).

Allele frequency attached by ClinVar (database versions not stated): gnomAD exomes below 0.00001.
gnomAD v4.1: 1 of 1,612,852 alleles (0.000062%); highest among the groups gnomAD compares: Non-Finnish European, 0.000085%; no homozygotes.

Submission:

Ambry Genetics
Classification: Uncertain significance. Last evaluated: 2022-07-02. Review status: criteria provided, single submitter. Criteria: Ambry Variant Classification Scheme 2023. Collection method: clinical testing. Allele origin: germline.
Comment: The p.Q502R variant (also known as c.1505A>G), located in coding exon 12 of the RECQL gene, results from an A to G substitution at nucleotide position 1505. The glutamine at codon 502 is replaced by arginine, an amino acid with highly similar properties. This amino acid position is conserved. In addition, this alteration is predicted to be tolerated by in silico analysis. Since supporting evidence is limited at this time, the clinical significance of this alteration remains unclear.

NM_002907.4(RECQL):c.1505A>G (p.Gln502Arg)

Gene: RECQL (RecQ like helicase; minus strand). Cytogenetic location: 12p12.1.
Variant type: single nucleotide variant.
Coding change: c.1505A>G on transcript NM_002907.4 (MANE Select); coding-DNA position 1505, A replaced by G.
Protein change: p.Gln502Arg; replaces glutamine 502 with arginine.
Molecular consequence: missense variant.
Genome position (GRCh38, 1-based): chr12:21,471,590, T>C on the plus strand (A>G on the coding strand, the complement: RECQL is on the minus strand). VCF-style: chr12-21471590-T-C. GRCh37 (hg19) VCF-style: chr12-21624524-T-C.
Other names: c.1505A>G, p.Gln502Arg (NM_032941.3); short protein forms Q502R.
Identifiers: ClinVar variation 1774072 (VCV001774072.2), dbSNP rs2540322119, ClinGen allele CA384116271.